The following is an entry in ClinVar:

NM_018993.4(RIN2):c.923C>T (p.Pro308Leu)

Gene: RIN2 (Ras and Rab interactor 2; plus strand). Cytogenetic location: 20p11.23.
Variant type: single nucleotide variant.
Coding change: c.923C>T on transcript NM_018993.4 (MANE Select); coding-DNA position 923, C replaced by T.
Protein change: p.Pro308Leu; replaces proline 308 with leucine.
Molecular consequence: missense variant.
Genome position (GRCh38, 1-based): chr20:19,974,948, C>T. VCF-style: chr20-19974948-C-T. GRCh37 (hg19) VCF-style: chr20-19955592-C-T.
Other names: c.1070C>T, p.Pro357Leu (NM_001242581.2); c.305C>T, p.Pro102Leu (NM_001378238.1); short protein forms P102L, P308L, P357L.
Identifiers: ClinVar variation 1309549 (VCV001309549.3), dbSNP rs374058245, ClinGen allele CA9779972.
Genomic context (GRCh38, chr20:19,974,948, plus strand): 5'-TGAAACGGCCGAGCACAAGGACTCCCAACGCGAATGGCACGGAGCGGACTCGGTCCCCCC[C>T]ACCCAGGCCCCCGCCACCCGCTATTAATAGTCTCCACACAAGCCCTCGGCTGGCCAGGAC-3'
Protein context (NP_061866.1, residues 298-318): ANGTERTRSP[Pro308Leu]PRPPPPAINS

ClinVar aggregate classification (germline): Uncertain significance. Review status: criteria provided, multiple submitters, no conflicts (2 of 4 stars). 2 submissions from 2 submitters: Uncertain significance (2). Last evaluated 2023-11-17.

Conditions:
Inborn genetic diseases. Identifiers: MedGen C0950123, MeSH D030342.

Allele frequency attached by ClinVar (database versions not stated): ESP Exome Variant Server 0.00008.
gnomAD v4.1: 91 of 1,603,548 alleles (0.0057%); highest among the groups gnomAD compares: South Asian, 0.014%; 1 homozygote.

Submissions (2):

Ambry Genetics
Classification: Uncertain significance for Inborn genetic diseases. Last evaluated: 2023-11-17. Review status: criteria provided, single submitter. Criteria: Ambry Variant Classification Scheme 2023. Collection method: clinical testing. Allele origin: germline.

GeneDx
Classification: Uncertain significance. Last evaluated: 2019-10-18. Review status: criteria provided, single submitter. Criteria: GeneDx Variant Classification Process June 2021. Collection method: clinical testing. Allele origin: germline. Affected: yes.
Comment: Not observed at a significant frequency in large population cohorts (Lek et al., 2016); In silico analysis, which includes protein predictors and evolutionary conservation, supports a deleterious effect; Has not been previously published as pathogenic or benign to our knowledge